The following is an entry in ClinVar:

NM_001146262.4(SYT14):c.1197G>A (p.Met399Ile)

Gene: SYT14 (synaptotagmin 14; plus strand). Cytogenetic location: 1q32.2.
Variant type: single nucleotide variant.
Coding change: c.1197G>A on transcript NM_001146262.4 (MANE Select); coding-DNA position 1197, G replaced by A.
Protein change: p.Met399Ile; replaces methionine 399 with isoleucine.
Molecular consequence: missense variant. On other transcripts: non-coding transcript variant (1).
Genome position (GRCh38, 1-based): chr1:210,155,753, G>A. VCF-style: chr1-210155753-G-A. GRCh37 (hg19) VCF-style: chr1-210329098-G-A.
Other names: c.1332G>A, p.Met444Ile (NM_001146261.4, NM_001146264.4); c.1083G>A, p.Met361Ile (NM_001256006.3); c.2067G>A, p.Met689Ile (NM_001397544.1, NM_001397545.1); c.1197G>A, p.Met399Ile (NM_153262.5); short protein forms M361I, M399I, M444I, M689I.
Identifiers: ClinVar variation 3571926 (VCV003571926.1).

ClinVar aggregate classification (germline): Uncertain significance (1 of 4 stars; one submission).

gnomAD v4.1: 2 of 1,614,058 alleles (0.00012%); highest among the groups gnomAD compares: Non-Finnish European, 0.00017%; no homozygotes.

Submission:

Athena Diagnostics
Classification: Uncertain significance. Last evaluated: 2024-01-26. Review status: criteria provided, single submitter. Criteria: Athena Diagnostics Criteria. Collection method: clinical testing. Allele origin: unknown.
Comment: Available data are insufficient to determine the clinical significance of the variant at this time. The frequency of this variant in the general population is uninformative in assessment of its pathogenicity. Computational tools predict that this variant is not damaging.